The following is an entry in ClinVar:

NM_000342.4(SLC4A1):c.697C>T (p.Arg233Cys)

Gene: SLC4A1 (solute carrier family 4 member 1 (Diego blood group); minus strand). Cytogenetic location: 17q21.31.
Variant type: single nucleotide variant.
Coding change: c.697C>T on transcript NM_000342.4 (MANE Select); coding-DNA position 697, C replaced by T.
Protein change: p.Arg233Cys; replaces arginine 233 with cysteine.
Molecular consequence: missense variant.
Genome position (GRCh38, 1-based): chr17:44,259,342, G>A on the plus strand (C>T on the coding strand, the complement: SLC4A1 is on the minus strand). VCF-style: chr17-44259342-G-A. GRCh37 (hg19) VCF-style: chr17-42336710-G-A.
Other names: short protein forms R233C.
Identifiers: ClinVar variation 889580 (VCV000889580.7), dbSNP rs779054292, ClinGen allele CA8600493.

ClinVar aggregate classification (germline): Uncertain significance. Review status: criteria provided, multiple submitters, no conflicts (2 of 4 stars). 5 submissions from 3 submitters: Uncertain significance (5). Last evaluated 2024-03-22.

Conditions:
Southeast Asian ovalocytosis. Also called: HE, STOMATOCYTIC; Stomatocytic elliptocytosis, hereditary; Ovalocytosis, Malaysian-Melanesian-Filipino type; Elliptocytosis 4. Identifiers: Orphanet 98868, MedGen C1862322, MONDO:0008165, OMIM 166900.
BLOOD GROUP, WALDNER (WD). Also called: WALDNER BLOOD GROUP ANTIGEN. Identifiers: MedGen C1862191, OMIM 112010.
BLOOD GROUP--FROESE (FR). Also called: FROESE BLOOD GROUP ANTIGEN. Identifiers: MedGen C1832168, OMIM 601551.
BLOOD GROUP--WRIGHT ANTIGEN (WR). Identifiers: MedGen C1862190, OMIM 112050.
Cryohydrocytosis. Also called: Hereditary cryohydrocytosis with normal stomatin; STOMATOCYTOSIS, COLD-SENSITIVE; CRYOHYDROCYTOSIS DUE TO BAND 3 HEMEL; CRYOHYDROCYTOSIS DUE TO BAND 3 HURSTPIERPOINT; CRYOHYDROCYTOSIS DUE TO BAND 3 BLACKBURN. Identifiers: Orphanet 398088, MedGen C1861453, MONDO:0008494, OMIM 185020.
Hereditary spherocytosis type 4. Also called: SLC4A1-Related Spherocytosis. Identifiers: Orphanet 822, MedGen C2675212, MONDO:0012981, OMIM 612653.
BLOOD GROUP--SWANN SYSTEM (SW). Also called: SWANN BLOOD GROUP. Identifiers: MedGen C1832169, OMIM 601550.
BLOOD GROUP--DIEGO SYSTEM (DI). Identifiers: MedGen C1292286, OMIM 110500.
Autosomal dominant distal renal tubular acidosis (DRTA1). Also called: RTA, CLASSIC TYPE; RTA, DISTAL TYPE, AUTOSOMAL DOMINANT; RTA, GRADIENT TYPE; Renal Tubular Acidosis, Type I; RENAL TUBULAR ACIDOSIS, DISTAL, 1. Identifiers: Orphanet 93608, MedGen CN280572, MONDO:0008368, OMIM 179800.
Renal tubular acidosis, distal, 4, with hemolytic anemia. Also called: Renal Tubular Acidosis, Distal, with Hemolytic Anemia. Identifiers: Orphanet 93610, MedGen C5436235, MONDO:0012700, OMIM 611590.
Malaria, susceptibility to. Identifiers: Orphanet 673, MedGen C1970028, MONDO:0021024, OMIM 611162.
Hemolytic anemia. Identifiers: MedGen C0002878, MONDO:0003664, HP:0001878.

Allele frequency attached by ClinVar (database versions not stated): TOPMed 0.00002; ExAC 0.00002; gnomAD exomes 0.00002.

Submissions (5):

Fulgent Genetics
Classification: Uncertain significance for BLOOD GROUP--DIEGO SYSTEM; BLOOD GROUP, WALDNER; BLOOD GROUP--WRIGHT ANTIGEN; Southeast Asian ovalocytosis; Autosomal dominant distal renal tubular acidosis; Cryohydrocytosis; BLOOD GROUP--SWANN SYSTEM; BLOOD GROUP--FROESE; Malaria, susceptibility to; Renal tubular acidosis, distal, 4, with hemolytic anemia; Hereditary spherocytosis type 4. Last evaluated: 2024-03-22. Review status: criteria provided, single submitter. Criteria: ACMG Guidelines, 2015. Collection method: clinical testing. Allele origin: germline.

Labcorp Genetics (formerly Invitae), Labcorp
Classification: Uncertain significance. Last evaluated: 2023-04-17. Review status: criteria provided, single submitter. Criteria: Invitae Variant Classification Sherloc (09022015). Collection method: clinical testing. Allele origin: germline.
Comment: This variant has not been reported in the literature in individuals affected with SLC4A1-related conditions. This variant is present in population databases (rs779054292, gnomAD 0.01%). ClinVar contains an entry for this variant (Variation ID: 889580). Algorithms developed to predict the effect of missense changes on protein structure and function output the following: SIFT: "Not Available"; PolyPhen-2: "Benign"; Align-GVGD: "Not Available". The cysteine amino acid residue is found in multiple mammalian species, which suggests that this missense change does not adversely affect protein function. In summary, the available evidence is currently insufficient to determine the role of this variant in disease. Therefore, it has been classified as a Variant of Uncertain Significance. This sequence change replaces arginine, which is basic and polar, with cysteine, which is neutral and slightly polar, at codon 233 of the SLC4A1 protein (p.Arg233Cys).

Illumina Laboratory Services, Illumina
Classification: Uncertain significance for Hemolytic anemia. Last evaluated: 2017-04-27. Review status: criteria provided, single submitter. Criteria: ICSL Variant Classification Criteria 13 December 2019. Collection method: clinical testing. Allele origin: germline.

Illumina Laboratory Services, Illumina
Classification: Uncertain significance for Autosomal dominant distal renal tubular acidosis. Last evaluated: 2017-04-27. Review status: criteria provided, single submitter. Criteria: ICSL Variant Classification Criteria 13 December 2019. Collection method: clinical testing. Allele origin: germline.

Illumina Laboratory Services, Illumina
Classification: Uncertain significance for Hereditary spherocytosis type 4. Last evaluated: 2017-04-27. Review status: criteria provided, single submitter. Criteria: ICSL Variant Classification Criteria 13 December 2019. Collection method: clinical testing. Allele origin: germline.